The following is an entry in ClinVar:

ClinVar aggregate classification (germline): Likely pathogenic (1 of 4 stars; one submission).

Conditions:
PMM2-congenital disorder of glycosylation. Also called: PMM2-CDG; Congenital disorder of glycosylation, type Ia; CDG Ia; JAEKEN SYNDROME; PHOSPHOMANNOMUTASE 2 DEFICIENCY; CARBOHYDRATE-DEFICIENT GLYCOPROTEIN SYNDROME, TYPE Ia. Identifiers: Orphanet 79318, MedGen C0349653, MONDO:0008907, OMIM 212065.

Allele frequency attached by ClinVar (database versions not stated): gnomAD exomes below 0.00001; TOPMed below 0.00001; ExAC 0.00001.
gnomAD v4.1: 6 of 1,612,344 alleles (0.00037%); highest among the groups gnomAD compares: Non-Finnish European, 0.000085%; no homozygotes.

Submission:

Labcorp Genetics (formerly Invitae), Labcorp
Classification: Likely pathogenic for PMM2-congenital disorder of glycosylation. Last evaluated: 2025-09-22. Review status: criteria provided, single submitter. Criteria: Invitae Variant Classification Sherloc (09022015). Collection method: clinical testing. Allele origin: germline.
Comment: This sequence change replaces asparagine, which is neutral and polar, with aspartic acid, which is acidic and polar, at codon 216 of the PMM2 protein (p.Asn216Asp). This variant is present in population databases (rs750708103, gnomAD 0.01%). This variant has not been reported in the literature in individuals affected with PMM2-related conditions. ClinVar contains an entry for this variant (Variation ID: 2989370). Invitae Evidence Modeling of protein sequence and biophysical properties (such as structural, functional, and spatial information, amino acid conservation, physicochemical variation, residue mobility, and thermodynamic stability) indicates that this missense variant is expected to disrupt PMM2 protein function with a positive predictive value of 95%. Experimental studies have shown that this missense change affects PMM2 function (PMID: 35789514). This variant disrupts the p.Asn216 amino acid residue in PMM2. Other variant(s) that disrupt this residue have been determined to be pathogenic (PMID: 9140401, 9497260, 11875054, 12905014, 23430838, 25355454). This suggests that this residue is clinically significant, and that variants that disrupt this residue are likely to be disease-causing. In summary, the currently available evidence indicates that the variant is pathogenic, but additional data are needed to prove that conclusively. Therefore, this variant has been classified as Likely Pathogenic.

Literature cited by the submitters: PubMed 35789514; PubMed 9140401; PubMed 9497260; PubMed 11875054; PubMed 12905014; PubMed 23430838; PubMed 25355454.

NM_000303.3(PMM2):c.646A>G (p.Asn216Asp)

Gene: PMM2 (phosphomannomutase 2; plus strand). Cytogenetic location: 16p13.2.
Variant type: single nucleotide variant.
Coding change: c.646A>G on transcript NM_000303.3 (MANE Select); coding-DNA position 646, A replaced by G.
Protein change: p.Asn216Asp; replaces asparagine 216 with aspartic acid.
Molecular consequence: missense variant.
Genome position (GRCh38, 1-based): chr16:8,847,730, A>G. VCF-style: chr16-8847730-A-G. GRCh37 (hg19) VCF-style: chr16-8941587-A-G.
Other names: short protein forms N216D.
Identifiers: ClinVar variation 2989370 (VCV002989370.3), dbSNP rs750708103, ClinGen allele CA7894193.
Genomic context (GRCh38, chr16:8,847,730, plus strand): 5'-AATGGCCCGGGACAGACGAGGGGGAGCCTTCATCTGTACTTCGTGTCTTTCCAGGGTGGC[A>G]ATGACCATGAGATCTTCACAGACCCCAGAACCATGGGCTACTCCGTGACAGCGCCTGAGG-3'
Protein context (NP_000294.1, residues 206-226): FFGDKTMPGG[Asn216Asp]DHEIFTDPRT